The following is an entry in ClinVar:

ClinVar aggregate classification (germline): Uncertain significance (1 of 4 stars; one submission).

Submission:

Labcorp Genetics (formerly Invitae), Labcorp
Classification: Uncertain significance. Last evaluated: 2022-06-23. Review status: criteria provided, single submitter. Criteria: Invitae Variant Classification Sherloc (09022015). Collection method: clinical testing. Allele origin: germline.
Comment: This sequence change replaces arginine, which is basic and polar, with proline, which is neutral and non-polar, at codon 108 of the KARS protein (p.Arg108Pro). This variant is not present in population databases (gnomAD no frequency). This missense change has been observed in individual(s) with clinical features of KARS-related conditions (Invitae). Algorithms developed to predict the effect of missense changes on protein structure and function are either unavailable or do not agree on the potential impact of this missense change (SIFT: "Deleterious"; PolyPhen-2: "Benign"; Align-GVGD: "Class C65"). This variant disrupts the p.Arg108 amino acid residue in KARS. Other variant(s) that disrupt this residue have been observed in individuals with KARS-related conditions (PMID: 30737337, 33942428), which suggests that this may be a clinically significant amino acid residue. In summary, the available evidence is currently insufficient to determine the role of this variant in disease. Therefore, it has been classified as a Variant of Uncertain Significance.

Literature cited by the submitters: PubMed 30737337; PubMed 33942428.

NM_005548.3(KARS1):c.239G>C (p.Arg80Pro)

Gene: KARS1 (lysyl-tRNA synthetase 1; minus strand). Cytogenetic location: 16q23.1.
Variant type: single nucleotide variant.
Coding change: c.239G>C on transcript NM_005548.3 (MANE Select); coding-DNA position 239, G replaced by C.
Protein change: p.Arg80Pro; replaces arginine 80 with proline.
Molecular consequence: missense variant. On other transcripts: 5 prime UTR variant (1).
Genome position (GRCh38, 1-based): chr16:75,640,333, C>G on the plus strand (G>C on the coding strand, the complement: KARS1 is on the minus strand). VCF-style: chr16-75640333-C-G. GRCh37 (hg19) VCF-style: chr16-75674231-C-G.
Other names: c.323G>C, p.Arg108Pro (NM_001130089.2); c.-230G>C (NM_001378148.1); short protein forms R80P, R108P.
Identifiers: ClinVar variation 2010003 (VCV002010003.4), dbSNP rs369114426, ClinGen allele CA396815932.